The following is an entry in ClinVar:

NM_001083962.2(TCF4):c.1732C>A (p.Arg578Ser)

Gene: TCF4 (transcription factor 4; minus strand). Cytogenetic location: 18q21.2.
Variant type: single nucleotide variant.
Coding change: c.1732C>A on transcript NM_001083962.2 (MANE Select); coding-DNA position 1732, C replaced by A.
Protein change: p.Arg578Ser; replaces arginine 578 with serine.
Molecular consequence: missense variant.
Genome position (GRCh38, 1-based): chr18:55,228,994, G>T on the plus strand (C>A on the coding strand, the complement: TCF4 is on the minus strand). VCF-style: chr18-55228994-G-T. GRCh37 (hg19) VCF-style: chr18-52896225-G-T.
Other names: c.1663C>A, p.Arg555Ser (NM_001369586.1); c.1720C>A, p.Arg574Ser (NM_003199.3, NM_001369571.1, NM_001369572.1); c.1657C>A, p.Arg553Ser (NM_001369581.1, NM_001369576.1, NM_001369577.1 and 3 more transcripts); c.1648C>A, p.Arg550Ser (NM_001369582.1, NM_001369583.1, NM_001306207.1 and 1 more transcripts); c.1645C>A, p.Arg549Ser (NM_001369584.1, NM_001369585.1, NM_001348220.1); c.2038C>A, p.Arg680Ser (NM_001243226.3); c.1660C>A, p.Arg554Ser (NM_001243227.2, NM_001369575.1, NM_001348217.1 and 1 more transcripts); c.1750C>A, p.Arg584Ser (NM_001243228.2); and 14 more; short protein forms R413S, R444S, R507S, R573S, R414S, R418S, R448S, R536S.
Identifiers: ClinVar variation 3719765 (VCV003719765.2).

ClinVar aggregate classification (germline): Likely pathogenic (1 of 4 stars; one submission).

Conditions:
Pitt-Hopkins syndrome (PTHS). Also called: MENTAL RETARDATION, SYNDROMAL, WITH INTERMITTENT HYPERVENTILATION; ENCEPHALOPATHY, SEVERE EPILEPTIC, WITH AUTONOMIC DYSFUNCTION. Identifiers: Orphanet 2896, MedGen C1970431, MONDO:0012589, OMIM 610954.

Submission:

Labcorp Genetics (formerly Invitae), Labcorp
Classification: Likely pathogenic for Pitt-Hopkins syndrome. Last evaluated: 2025-01-13. Review status: criteria provided, single submitter. Criteria: Invitae Variant Classification Sherloc (09022015). Collection method: clinical testing. Allele origin: germline.
Comment: This sequence change replaces arginine, which is basic and polar, with serine, which is neutral and polar, at codon 578 of the TCF4 protein (p.Arg578Ser). This variant is not present in population databases (gnomAD no frequency). This variant has not been reported in the literature in individuals affected with TCF4-related conditions. Invitae Evidence Modeling of protein sequence and biophysical properties (such as structural, functional, and spatial information, amino acid conservation, physicochemical variation, residue mobility, and thermodynamic stability) indicates that this missense variant is expected to disrupt TCF4 protein function with a positive predictive value of 95%. This variant disrupts the p.Arg578 amino acid residue in TCF4. Other variant(s) that disrupt this residue have been determined to be pathogenic (PMID: 18728071, 21671391, 22460224, 29695756). This suggests that this residue is clinically significant, and that variants that disrupt this residue are likely to be disease-causing. In summary, the currently available evidence indicates that the variant is pathogenic, but additional data are needed to prove that conclusively. Therefore, this variant has been classified as Likely Pathogenic.

Literature cited by the submitters: PubMed 18728071; PubMed 21671391; PubMed 22460224; PubMed 29695756.